The following is an entry in ClinVar:

NM_001164508.2(NEB):c.23347-2A>G

Genes: NEB (nebulin; minus strand), RIF1 (replication timing regulatory factor 1; plus strand). Cytogenetic location: 2q23.3.
Variant type: single nucleotide variant.
Coding change: c.23347-2A>G on transcript NM_001164508.2 (MANE Select); the canonical splice acceptor site of the intron before coding-DNA position 23347, A replaced by G.
Molecular consequence: splice acceptor variant.
Genome position (GRCh38, 1-based): chr2:151,508,111, T>C on the plus strand (A>G on the coding strand, the complement: NEB is on the minus strand). VCF-style: chr2-151508111-T-C. GRCh37 (hg19) VCF-style: chr2-152364625-T-C.
Other names: c.18244-2A>G (NM_004543.5); c.23347-2A>G (NM_001164507.2); c.23452-2A>G (NM_001271208.2, NM_001271208.1).
Identifiers: ClinVar variation 2677071 (VCV002677071.4), dbSNP rs2552036488, ClinGen allele CA348785659.

ClinVar aggregate classification (germline): Likely pathogenic. Review status: criteria provided, multiple submitters, no conflicts (2 of 4 stars). 2 submissions from 2 submitters: Likely pathogenic (2). Last evaluated 2023-07-20.

Conditions:
Nemaline myopathy 2 (NEM2). Also called: Nemaline myopathy 2, autosomal recessive. Identifiers: MedGen C1850569, MONDO:0009725, OMIM 256030.
Arthrogryposis multiplex congenita 6. Identifiers: MedGen C5543431, MONDO:0030281, OMIM 619334.

Submissions (2):

Baylor Genetics
Classification: Likely pathogenic for Arthrogryposis multiplex congenita 6. Last evaluated: 2023-07-20. Review status: criteria provided, single submitter. Criteria: ACMG Guidelines, 2015. Collection method: clinical testing. Allele origin: unknown.

Labcorp Genetics (formerly Invitae), Labcorp
Classification: Likely pathogenic for Nemaline myopathy 2. Last evaluated: 2023-03-02. Review status: criteria provided, single submitter. Criteria: Invitae Variant Classification Sherloc (09022015). Collection method: clinical testing. Allele origin: germline.
Comment: This sequence change affects an acceptor splice site in intron 162 of the NEB gene. It is expected to disrupt RNA splicing. Variants that disrupt the donor or acceptor splice site typically lead to a loss of protein function (PMID: 16199547), and loss-of-function variants in NEB are known to be pathogenic (PMID: 25205138). This variant is not present in population databases (gnomAD no frequency). This variant has not been reported in the literature in individuals affected with NEB-related conditions. Algorithms developed to predict the effect of sequence changes on RNA splicing suggest that this variant may disrupt the consensus splice site. In summary, the currently available evidence indicates that the variant is pathogenic, but additional data are needed to prove that conclusively. Therefore, this variant has been classified as Likely Pathogenic.

Literature cited by the submitters: PubMed 16199547 (cited by Labcorp Genetics (formerly Invitae), Labcorp); PubMed 25205138 (cited by Labcorp Genetics (formerly Invitae), Labcorp).